The following is an entry in ClinVar:

ClinVar aggregate classification (germline): Uncertain significance (1 of 4 stars; one submission).

Conditions:
EMSY-related disorder. Also called: EMSY-related condition.

Allele frequency attached by ClinVar (database versions not stated): gnomAD 0.00001; TOPMed 0.00003.
gnomAD v4.1: 3 of 1,603,180 alleles (0.00019%); highest among the groups gnomAD compares: Admixed American, 0.0035%; no homozygotes.

Submission:

PreventionGenetics, part of Exact Sciences
Classification: Uncertain significance for EMSY-related condition. Last evaluated: 2023-04-17. Review status: criteria provided, single submitter. Criteria: ACMG Guidelines, 2015. Collection method: clinical testing. Allele origin: germline.
Comment: The EMSY c.1730-5C>G variant is predicted to interfere with splicing. To our knowledge, this variant has not been reported in the literature or in a large population database, indicating this variant is rare. At this time, the clinical significance of this variant is uncertain due to the absence of conclusive functional and genetic evidence.

NM_001300942.2(EMSY):c.1730-5C>G

Gene: EMSY (EMSY transcriptional repressor, BRCA2 interacting; plus strand). Cytogenetic location: 11q13.5.
Variant type: single nucleotide variant.
Coding change: c.1730-5C>G on transcript NM_001300942.2 (MANE Select); 5 bases into the intron before coding-DNA position 1730, C replaced by G.
Molecular consequence: intron variant.
Genome position (GRCh38, 1-based): chr11:76,523,150, C>G. VCF-style: chr11-76523150-C-G. GRCh37 (hg19) VCF-style: chr11-76234194-C-G.
Other names: c.1730-5C>G (NM_001300944.2); c.1688-5C>G (NM_001300943.2); c.1685-5C>G (NM_020193.5).
Identifiers: ClinVar variation 2636697 (VCV002636697.1), dbSNP rs924800024, ClinGen allele CA224773434.